The following is an entry in ClinVar:

ClinVar aggregate classification (germline): Uncertain significance. Review status: criteria provided, multiple submitters, no conflicts (2 of 4 stars). 2 submissions from 2 submitters: Uncertain significance (2). Last evaluated 2023-07-25.

gnomAD v4.1: 20 of 1,613,338 alleles (0.0012%); highest among the groups gnomAD compares: East Asian, 0.042%; no homozygotes.

Submissions (2):

GeneDx
Classification: Uncertain significance. Last evaluated: 2023-07-25. Review status: criteria provided, single submitter. Criteria: GeneDx Variant Classification Process June 2021. Collection method: clinical testing. Allele origin: germline. Affected: yes.
Comment: In silico analysis supports that this missense variant has a deleterious effect on protein structure/function; Has not been previously published as pathogenic or benign to our knowledge

Blueprint Genetics
Classification: Uncertain significance. Last evaluated: 2021-06-03. Review status: criteria provided, single submitter. Criteria: ACMG Guidelines, 2015. Collection method: clinical testing. Allele origin: germline.

NM_015404.4(WHRN):c.971A>T (p.Asp324Val)

Gene: WHRN (whirlin; minus strand). Cytogenetic location: 9q32.
Variant type: single nucleotide variant.
Coding change: c.971A>T on transcript NM_015404.4 (MANE Select); coding-DNA position 971, A replaced by T.
Protein change: p.Asp324Val; replaces aspartic acid 324 with valine.
Molecular consequence: missense variant. On other transcripts: 5 prime UTR variant (1).
Genome position (GRCh38, 1-based): chr9:114,426,406, T>A on the plus strand (A>T on the coding strand, the complement: WHRN is on the minus strand). VCF-style: chr9-114426406-T-A. GRCh37 (hg19) VCF-style: chr9-117188686-T-A.
Other names: c.-179A>T (NM_001083885.3); c.971A>T, p.Asp324Val (NM_001173425.2); short protein forms D324V.
Identifiers: ClinVar variation 3361593 (VCV003361593.2).